The following is an entry in ClinVar:

ClinVar aggregate classification (germline): Uncertain significance (1 of 4 stars; one submission).

Conditions:
Marfan syndrome (MFS). Also called: MARFAN SYNDROME, TYPE I; Marfan syndrome type 1; Marfan's syndrome; FBN1-Related Marfan Syndrome; Marfan syndrome, classic. Identifiers: Orphanet 284963, Orphanet 558, MedGen C0024796, MONDO:0007947, OMIM 154700.

Submission:

All of Us Research Program, National Institutes of Health
Classification: Uncertain significance for Marfan syndrome. Last evaluated: 2024-06-09. Review status: criteria provided, single submitter. Criteria: ACMG Guidelines, 2015. Collection method: clinical testing. Allele origin: germline. Inheritance: Autosomal dominant inheritance. Observed: 1 variant allele, 1 heterozygote.
Comment: This missense variant replaces glycine with arginine at codon 2116 of the FBN1 protein. Computational prediction suggests that this variant may have deleterious impact on protein structure and function (internally defined REVEL score threshold >= 0.7, PMID: 27666373). To our knowledge, functional studies have not been reported for this variant. This variant has not been reported in individuals affected with FBN1-related disorders in the literature. This variant has not been identified in the general population by the Genome Aggregation Database (gnomAD). The available evidence is insufficient to determine the role of this variant in disease conclusively. Therefore, this variant is classified as a Variant of Uncertain Significance.

This study involves interpretation of variants in research participants for the purpose of population health screening. Participant phenotype was not available at the time of variant classification. Additional details can be found in publication PMID: 35346344, PMCID: PMC8962531

NM_000138.5(FBN1):c.6346G>A (p.Gly2116Arg)

Gene: FBN1 (fibrillin 1; minus strand). Cytogenetic location: 15q21.1.
Variant type: single nucleotide variant.
Coding change: c.6346G>A on transcript NM_000138.5 (MANE Select); coding-DNA position 6346, G replaced by A.
Protein change: p.Gly2116Arg; replaces glycine 2116 with arginine.
Molecular consequence: missense variant.
Genome position (GRCh38, 1-based): chr15:48,437,355, C>T on the plus strand (G>A on the coding strand, the complement: FBN1 is on the minus strand). VCF-style: chr15-48437355-C-T. GRCh37 (hg19) VCF-style: chr15-48729552-C-T.
Other names: c.6346G>A, p.Gly2116Arg (NM_001406716.1); short protein forms G2116R.
Identifiers: ClinVar variation 3386773 (VCV003386773.1).